The following is an entry in ClinVar:

ClinVar aggregate classification (germline): Uncertain significance. Review status: criteria provided, multiple submitters, no conflicts (2 of 4 stars). 2 submissions from 2 submitters: Uncertain significance (2). Last evaluated 2025-03-16.

Conditions:
Inborn genetic diseases. Identifiers: MedGen C0950123, MeSH D030342.
Glycogen storage disease, type VII (GSD7). Also called: PFKM DEFICIENCY; GSD VII; TARUI DISEASE; MUSCLE PHOSPHOFRUCTOKINASE DEFICIENCY. Identifiers: Orphanet 371, MedGen C0017926, MONDO:0009295, OMIM 232800.

Allele frequency attached by ClinVar (database versions not stated): ExAC 0.00001; gnomAD 0.00002; gnomAD exomes 0.00002; ESP Exome Variant Server 0.00008.

Submissions (2):

Ambry Genetics
Classification: Uncertain significance for Inborn genetic diseases. Last evaluated: 2025-03-16. Review status: criteria provided, single submitter. Criteria: Ambry Variant Classification Scheme 2023. Collection method: clinical testing. Allele origin: germline.

Labcorp Genetics (formerly Invitae), Labcorp
Classification: Uncertain significance for Glycogen storage disease, type VII. Last evaluated: 2022-05-05. Review status: criteria provided, single submitter. Criteria: Invitae Variant Classification Sherloc (09022015). Collection method: clinical testing. Allele origin: germline.
Comment: This sequence change replaces valine, which is neutral and non-polar, with isoleucine, which is neutral and non-polar, at codon 295 of the PFKM protein (p.Val295Ile). This variant is present in population databases (rs372724105, gnomAD 0.002%). This variant has not been reported in the literature in individuals affected with PFKM-related conditions. Algorithms developed to predict the effect of missense changes on protein structure and function (SIFT, PolyPhen-2, Align-GVGD) all suggest that this variant is likely to be tolerated. In summary, the available evidence is currently insufficient to determine the role of this variant in disease. Therefore, it has been classified as a Variant of Uncertain Significance.

NM_000289.6(PFKM):c.883G>A (p.Val295Ile)

Gene: PFKM (phosphofructokinase, muscle; plus strand). Cytogenetic location: 12q13.11.
Variant type: single nucleotide variant.
Coding change: c.883G>A on transcript NM_000289.6 (MANE Select); coding-DNA position 883, G replaced by A.
Protein change: p.Val295Ile; replaces valine 295 with isoleucine.
Molecular consequence: missense variant. On other transcripts: non-coding transcript variant (6), intron variant (1).
Genome position (GRCh38, 1-based): chr12:48,135,330, G>A. VCF-style: chr12-48135330-G-A. GRCh37 (hg19) VCF-style: chr12-48529113-G-A.
Other names: c.1027G>A, p.Val343Ile (NM_001354740.1); c.907G>A, p.Val303Ile (NM_001354741.2); c.883G>A, p.Val295Ile (NM_001354742.2, NM_001354743.2, NM_001354744.2 and 3 more transcripts); c.796G>A, p.Val266Ile (NM_001354745.2); c.733G>A, p.Val245Ile (NM_001354747.2, NM_001354748.2); c.843+292G>A (NM_001363619.2); c.1096G>A, p.Val366Ile (NM_001166686.2, NM_001354737.1, NM_001354738.1 and 1 more transcripts); c.1192G>A, p.Val398Ile (NM_001354735.1, NM_001354736.1); and 1 more; short protein forms V303I, V343I, V295I, V266I, V245I, V366I, V398I.
Identifiers: ClinVar variation 2186426 (VCV002186426.2), dbSNP rs372724105, ClinGen allele CA6537140.